The following is an entry in ClinVar:

NM_030665.4(RAI1):c.1141G>T (p.Ala381Ser)

Gene: RAI1 (retinoic acid induced 1; plus strand). Cytogenetic location: 17p11.2.
Variant type: single nucleotide variant.
Coding change: c.1141G>T on transcript NM_030665.4 (MANE Select); coding-DNA position 1141, G replaced by T.
Protein change: p.Ala381Ser; replaces alanine 381 with serine.
Molecular consequence: missense variant.
Genome position (GRCh38, 1-based): chr17:17,794,089, G>T. VCF-style: chr17-17794089-G-T. GRCh37 (hg19) VCF-style: chr17-17697403-G-T.
Other names: short protein forms A381S.
Identifiers: ClinVar variation 1345148 (VCV001345148.8), dbSNP rs2143001837, ClinGen allele CA398546979.
Genomic context (GRCh38, chr17:17,794,089, plus strand): 5'-TCGCCGCTGATGCCAAACCTGGAGAACTTTCCCTACAGCCAGCAGCCGCTCAGCACCGGG[G>T]CCTTCCCCGCAGGGATCACTGACCACAGCCACTTCATGCCCCTGCTCAATCCCTCCCCAA-3'
Protein context (NP_109590.3, residues 371-391): PYSQQPLSTG[Ala381Ser]FPAGITDHSH

ClinVar aggregate classification (germline): Uncertain significance (1 of 4 stars; one submission).

Submission:

Labcorp Genetics (formerly Invitae), Labcorp
Classification: Uncertain significance. Last evaluated: 2022-02-04. Review status: criteria provided, single submitter. Criteria: Invitae Variant Classification Sherloc (09022015). Collection method: clinical testing. Allele origin: germline.
Comment: In summary, the available evidence is currently insufficient to determine the role of this variant in disease. Therefore, it has been classified as a Variant of Uncertain Significance. Algorithms developed to predict the effect of missense changes on protein structure and function (SIFT, PolyPhen-2, Align-GVGD) all suggest that this variant is likely to be tolerated. This variant has not been reported in the literature in individuals affected with RAI1-related conditions. This variant is not present in population databases (gnomAD no frequency). This sequence change replaces alanine, which is neutral and non-polar, with serine, which is neutral and polar, at codon 381 of the RAI1 protein (p.Ala381Ser).